The following is an entry in ClinVar:

ClinVar aggregate classification (germline): Uncertain significance (1 of 4 stars; one submission).

Conditions:
Neuroblastoma, susceptibility to, 3. Also called: ALK-Related Neuroblastic Tumor Susceptibility. Identifiers: Orphanet 635, MedGen C2751681, MONDO:0013083, OMIM 613014.

Allele frequency attached by ClinVar (database versions not stated): gnomAD exomes below 0.00001.
gnomAD v4.1: 1 of 1,614,170 alleles (0.000062%); highest among the groups gnomAD compares: Non-Finnish European, 0.000085%; no homozygotes.

Submission:

Labcorp Genetics (formerly Invitae), Labcorp
Classification: Uncertain significance for Neuroblastoma, susceptibility to, 3. Last evaluated: 2021-02-19. Review status: criteria provided, single submitter. Criteria: Invitae Variant Classification Sherloc (09022015). Collection method: clinical testing. Allele origin: germline.
Comment: In summary, the available evidence is currently insufficient to determine the role of this variant in disease. Therefore, it has been classified as a Variant of Uncertain Significance. Algorithms developed to predict the effect of missense changes on protein structure and function (SIFT, PolyPhen-2, Align-GVGD) all suggest that this variant is likely to be disruptive, but these predictions have not been confirmed by published functional studies and their clinical significance is uncertain. This variant has not been reported in the literature in individuals with ALK-related conditions. This variant is not present in population databases (ExAC no frequency). This sequence change replaces glycine with aspartic acid at codon 1590 of the ALK protein (p.Gly1590Asp). The glycine residue is highly conserved and there is a moderate physicochemical difference between glycine and aspartic acid.

NM_004304.5(ALK):c.4769G>A (p.Gly1590Asp)

Gene: ALK (ALK receptor tyrosine kinase; minus strand). Cytogenetic location: 2p23.2.
Variant type: single nucleotide variant.
Coding change: c.4769G>A on transcript NM_004304.5 (MANE Select); coding-DNA position 4769, G replaced by A.
Protein change: p.Gly1590Asp; replaces glycine 1590 with aspartic acid.
Molecular consequence: missense variant.
Genome position (GRCh38, 1-based): chr2:29,193,318, C>T on the plus strand (G>A on the coding strand, the complement: ALK is on the minus strand). VCF-style: chr2-29193318-C-T. GRCh37 (hg19) VCF-style: chr2-29416184-C-T.
Other names: c.1565G>A, p.Gly522Asp (NM_001353765.2); short protein forms G1590D, G522D.
Identifiers: ClinVar variation 1447829 (VCV001447829.8), dbSNP rs1457558507, ClinGen allele CA346460282.